The following is an entry in ClinVar:

ClinVar aggregate classification (germline): Uncertain significance (1 of 4 stars; one submission).

Allele frequency attached by ClinVar (database versions not stated): gnomAD exomes below 0.00001.
gnomAD v4.1: 1 of 1,588,948 alleles (0.000063%); highest among the groups gnomAD compares: South Asian, 0.0011%; no homozygotes.

Submission:

Labcorp Genetics (formerly Invitae), Labcorp
Classification: Uncertain significance. Last evaluated: 2021-06-06. Review status: criteria provided, single submitter. Criteria: Invitae Variant Classification Sherloc (09022015). Collection method: clinical testing. Allele origin: germline.
Comment: In summary, the available evidence is currently insufficient to determine the role of this variant in disease. Therefore, it has been classified as a Variant of Uncertain Significance. This sequence change replaces alanine with valine at codon 374 of the TUBGCP6 protein (p.Ala374Val). The alanine residue is weakly conserved and there is a small physicochemical difference between alanine and valine. This variant is not present in population databases (ExAC no frequency). This variant has not been reported in the literature in individuals with TUBGCP6-related conditions. Algorithms developed to predict the effect of missense changes on protein structure and function are either unavailable or do not agree on the potential impact of this missense change (SIFT: "Tolerated"; PolyPhen-2: "Possibly Damaging"; Align-GVGD: "Class C0").

NM_020461.4(TUBGCP6):c.1121C>T (p.Ala374Val)

Gene: TUBGCP6 (tubulin gamma complex component 6; minus strand). Cytogenetic location: 22q13.33.
Variant type: single nucleotide variant.
Coding change: c.1121C>T on transcript NM_020461.4 (MANE Select); coding-DNA position 1121, C replaced by T.
Protein change: p.Ala374Val; replaces alanine 374 with valine.
Molecular consequence: missense variant.
Genome position (GRCh38, 1-based): chr22:50,229,573, G>A on the plus strand (C>T on the coding strand, the complement: TUBGCP6 is on the minus strand). VCF-style: chr22-50229573-G-A. GRCh37 (hg19) VCF-style: chr22-50668002-G-A.
Other names: short protein forms A374V.
Identifiers: ClinVar variation 1359375 (VCV001359375.8), dbSNP rs1251388437, ClinGen allele CA412108911.